The following is an entry in ClinVar:

NM_052947.4(ALPK2):c.1058A>G (p.His353Arg)

Genes: ALPK2 (alpha kinase 2; minus strand), LOC114803473 (ALPK2 eExon liver enhancer; plus strand). Cytogenetic location: 18q21.31.
Variant type: single nucleotide variant.
Coding change: c.1058A>G on transcript NM_052947.4 (MANE Select); coding-DNA position 1058, A replaced by G.
Protein change: p.His353Arg; replaces histidine 353 with arginine.
Molecular consequence: missense variant.
Genome position (GRCh38, 1-based): chr18:58,579,718, T>C on the plus strand (A>G on the coding strand, the complement: ALPK2 is on the minus strand). VCF-style: chr18-58579718-T-C. GRCh37 (hg19) VCF-style: chr18-56246950-T-C.
Other names: short protein forms H353R.
Identifiers: ClinVar variation 2450801 (VCV002450801.2), dbSNP rs998372672, ClinGen allele CA300927331.

ClinVar aggregate classification (germline): Uncertain significance (1 of 4 stars; one submission).

Allele frequency attached by ClinVar (database versions not stated): gnomAD 0.00001.

Submission:

Ambry Genetics
Classification: Uncertain significance. Last evaluated: 2022-12-03. Review status: criteria provided, single submitter. Criteria: Ambry Variant Classification Scheme 2023. Collection method: clinical testing. Allele origin: germline.
Comment: The p.H353R variant (also known as c.1058A>G), located in coding exon 3 of the ALPK2 gene, results from an A to G substitution at nucleotide position 1058. The histidine at codon 353 is replaced by arginine, an amino acid with highly similar properties. This amino acid position is conserved. In addition, this alteration is predicted to be tolerated by in silico analysis. Since supporting evidence is limited at this time, the clinical significance of this alteration remains unclear.